The following is an entry in ClinVar:

NM_000361.3(THBD):c.1130A>G (p.Gln377Arg)

Gene: THBD (thrombomodulin; minus strand). Cytogenetic location: 20p11.21.
Variant type: single nucleotide variant.
Coding change: c.1130A>G on transcript NM_000361.3 (MANE Select); coding-DNA position 1130, A replaced by G.
Protein change: p.Gln377Arg; replaces glutamine 377 with arginine.
Molecular consequence: missense variant.
Genome position (GRCh38, 1-based): chr20:23,048,375, T>C on the plus strand (A>G on the coding strand, the complement: THBD is on the minus strand). VCF-style: chr20-23048375-T-C. GRCh37 (hg19) VCF-style: chr20-23029012-T-C.
Other names: short protein forms Q377R.
Identifiers: ClinVar variation 3651698 (VCV003651698.2).
Genomic context (GRCh38, chr20:23,048,375, plus strand): 5'-ATGGGCGCGAAGCCCTCGGCGCAGACGCAGAGGTAGCTAGTTTGGTTCAGGGGCTGGCAC[T>C]GGTACTCGCAGTTGGCTCTGAAGCACGGGTCCACGGGCTCCACACACTCGCCGTCCACCA-3'
Protein context (NP_000352.1, residues 367-387): DPCFRANCEY[Gln377Arg]CQPLNQTSYL

ClinVar aggregate classification (germline): Uncertain significance (1 of 4 stars; one submission).

Submission:

Labcorp Genetics (formerly Invitae), Labcorp
Classification: Uncertain significance. Last evaluated: 2024-12-07. Review status: criteria provided, single submitter. Criteria: Invitae Variant Classification Sherloc (09022015). Collection method: clinical testing. Allele origin: germline.
Comment: This sequence change replaces glutamine, which is neutral and polar, with arginine, which is basic and polar, at codon 377 of the THBD protein (p.Gln377Arg). This variant is not present in population databases (gnomAD no frequency). This variant has not been reported in the literature in individuals affected with THBD-related conditions. Invitae Evidence Modeling of protein sequence and biophysical properties (such as structural, functional, and spatial information, amino acid conservation, physicochemical variation, residue mobility, and thermodynamic stability) indicates that this missense variant is not expected to disrupt THBD protein function with a negative predictive value of 80%. In summary, the available evidence is currently insufficient to determine the role of this variant in disease. Therefore, it has been classified as a Variant of Uncertain Significance.